The following is an entry in ClinVar:

ClinVar aggregate classification (germline): Uncertain significance. Review status: criteria provided, multiple submitters, no conflicts (2 of 4 stars). 2 submissions from 2 submitters: Uncertain significance (2). Last evaluated 2024-07-08.

Conditions:
Hereditary pheochromocytoma and paraganglioma. Also called: Hereditary pheochromocytoma-paraganglioma; Hereditary paragangliomas and pheochromocytomas; Hereditary Paraganglioma-Pheochromocytoma Syndromes. Identifiers: Orphanet 29072, MedGen C4274332, MONDO:0017366.
Hereditary cancer-predisposing syndrome. Also called: Neoplastic Syndromes, Hereditary; Tumor predisposition; Hereditary Cancer Syndrome; Hereditary neoplastic syndrome. Identifiers: Orphanet 140162, MedGen C0027672, MeSH D009386, MONDO:0015356.

Submissions (2):

Ambry Genetics
Classification: Uncertain significance for Hereditary cancer-predisposing syndrome. Last evaluated: 2024-07-08. Review status: criteria provided, single submitter. Criteria: Ambry Variant Classification Scheme 2023. Collection method: clinical testing. Allele origin: germline.
Comment: The p.Y2D variant (also known as c.4T>G), located in coding exon 1 of the TMEM127 gene, results from a T to G substitution at nucleotide position 4. The tyrosine at codon 2 is replaced by aspartic acid, an amino acid with highly dissimilar properties. This amino acid position is highly conserved in available vertebrate species. In addition, this alteration is predicted to be deleterious by in silico analysis. Since supporting evidence is limited at this time, the clinical significance of this alteration remains unclear.

Labcorp Genetics (formerly Invitae), Labcorp
Classification: Uncertain significance for Hereditary pheochromocytoma and paraganglioma. Last evaluated: 2023-09-01. Review status: criteria provided, single submitter. Criteria: Invitae Variant Classification Sherloc (09022015). Collection method: clinical testing. Allele origin: germline.
Comment: This sequence change replaces tyrosine, which is neutral and polar, with aspartic acid, which is acidic and polar, at codon 2 of the TMEM127 protein (p.Tyr2Asp). This variant is not present in population databases (gnomAD no frequency). This missense change has been observed in individual(s) with clinical features of TMEM127-related conditions (PMID: 33051659). ClinVar contains an entry for this variant (Variation ID: 1744716). Experimental studies and prediction algorithms are not available or were not evaluated, and the functional significance of this variant is currently unknown. In summary, the available evidence is currently insufficient to determine the role of this variant in disease. Therefore, it has been classified as a Variant of Uncertain Significance.

Literature cited by the submitters: PubMed 33051659 (cited by Ambry Genetics and Labcorp Genetics (formerly Invitae), Labcorp).

NM_017849.4(TMEM127):c.4T>G (p.Tyr2Asp)

Genes: TMEM127 (transmembrane protein 127; minus strand), LOC129934333 (ATAC-STARR-seq lymphoblastoid silent region 11759; plus strand). Cytogenetic location: 2q11.2.
Variant type: single nucleotide variant.
Coding change: c.4T>G on transcript NM_017849.4 (MANE Select); coding-DNA position 4, T replaced by G.
Protein change: p.Tyr2Asp; replaces tyrosine 2 with aspartic acid.
Molecular consequence: missense variant.
Genome position (GRCh38, 1-based): chr2:96,265,378, A>C on the plus strand (T>G on the coding strand, the complement: TMEM127 is on the minus strand). VCF-style: chr2-96265378-A-C. GRCh37 (hg19) VCF-style: chr2-96931116-A-C.
Other names: c.4T>G, p.Tyr2Asp (NM_001193304.3); short protein forms Y2D.
Identifiers: ClinVar variation 1744716 (VCV001744716.8), dbSNP rs2104308652, ClinGen allele CA347656366.